The following is an entry in ClinVar:

ClinVar aggregate classification (germline): Conflicting classifications of pathogenicity. Review status: criteria provided, conflicting classifications (1 of 4 stars). 2 submissions from 2 submitters: Uncertain significance (1); Likely benign (1). Last evaluated 2024-01-04.

Allele frequency attached by ClinVar (database versions not stated): gnomAD 0.00001.
gnomAD v4.1: 27 of 1,604,382 alleles (0.0017%); highest among the groups gnomAD compares: Non-Finnish European, 0.0023%; no homozygotes.

Submissions (2):

Labcorp Genetics (formerly Invitae), Labcorp
Classification: Uncertain significance. Last evaluated: 2024-01-04. Review status: criteria provided, single submitter. Criteria: Invitae Variant Classification Sherloc (09022015). Collection method: clinical testing. Allele origin: germline.
Comment: This sequence change replaces proline, which is neutral and non-polar, with arginine, which is basic and polar, at codon 48 of the HDAC4 protein (p.Pro48Arg). This variant is present in population databases (no rsID available, gnomAD 0.0009%). This variant has not been reported in the literature in individuals affected with HDAC4-related conditions. An algorithm developed to predict the effect of missense changes on protein structure and function (PolyPhen-2) suggests that this variant is likely to be disruptive. In summary, the available evidence is currently insufficient to determine the role of this variant in disease. Therefore, it has been classified as a Variant of Uncertain Significance.

Blueprint Genetics
Classification: Likely benign. Last evaluated: 2022-04-11. Review status: criteria provided, single submitter. Criteria: ACMG Guidelines, 2015. Collection method: clinical testing. Allele origin: germline.

NM_001378414.1(HDAC4):c.143C>G (p.Pro48Arg)

Gene: HDAC4 (histone deacetylase 4; minus strand). Cytogenetic location: 2q37.3.
Variant type: single nucleotide variant.
Coding change: c.143C>G on transcript NM_001378414.1 (MANE Select); coding-DNA position 143, C replaced by G.
Protein change: p.Pro48Arg; replaces proline 48 with arginine.
Molecular consequence: missense variant.
Genome position (GRCh38, 1-based): chr2:239,190,029, G>C on the plus strand (C>G on the coding strand, the complement: HDAC4 is on the minus strand). VCF-style: chr2-239190029-G-C. GRCh37 (hg19) VCF-style: chr2-240111725-G-C.
Other names: c.143C>G, p.Pro48Arg (NM_001378415.1, NM_001378416.1, NM_001378417.1 and 1 more transcripts); short protein forms P48R.
Identifiers: ClinVar variation 3015287 (VCV003015287.4), dbSNP rs747240051, ClinGen allele CA351275937.